The following is an entry in ClinVar:

ClinVar aggregate classification (germline): Pathogenic (1 of 4 stars; one submission).

Conditions:
Hereditary cancer-predisposing syndrome. Also called: Neoplastic Syndromes, Hereditary; Tumor predisposition; Hereditary Cancer Syndrome; Hereditary neoplastic syndrome. Identifiers: Orphanet 140162, MedGen C0027672, MeSH D009386, MONDO:0015356.

Submission:

Ambry Genetics
Classification: Pathogenic for Hereditary cancer-predisposing syndrome. Last evaluated: 2024-08-21. Review status: criteria provided, single submitter. Criteria: Ambry Variant Classification Scheme 2023. Collection method: clinical testing. Allele origin: germline.
Comment: The c.1655delA pathogenic mutation, located in coding exon 4 of the PALB2 gene, results from a deletion of one nucleotide at nucleotide position 1655, causing a translational frameshift with a predicted alternate stop codon (p.Q552Rfs*9). This variant is considered to be rare based on population cohorts in the Genome Aggregation Database (gnomAD). This alteration is expected to result in loss of function by premature protein truncation or nonsense-mediated mRNA decay. As such, this alteration is interpreted as a disease-causing mutation.

NM_024675.4(PALB2):c.1655del (p.Gln552fs)

Gene: PALB2 (partner and localizer of BRCA2; minus strand). Cytogenetic location: 16p12.2.
Variant type: Deletion.
Coding change: c.1655del on transcript NM_024675.4 (MANE Select); coding-DNA position 1655, one base deleted (A; older notation c.1655delA).
Protein change: p.Gln552fs; shifts the reading frame from glutamine 552.
Molecular consequence: frameshift variant. On other transcripts: intron variant (3).
Genome position (GRCh38, 1-based): chr16:23,634,891, T deleted on the plus strand (A on the coding strand, the reverse complement: PALB2 is on the minus strand). VCF-style (leftmost placement, unchanged base first): chr16-23634890-CT-C. GRCh37 (hg19) VCF-style: chr16-23646211-CT-C.
Other names: c.1595del, p.Gln532fs (NM_001407296.1); c.1655del, p.Gln552fs (NM_001407297.1, NM_001407298.1, NM_001407299.1 and 3 more transcripts); c.770del, p.Gln257fs (NM_001407304.1, NM_001407305.1, NM_001407306.1 and 5 more transcripts); c.49-5616del (NM_001407314.1); c.-104-4422del (NM_001407313.1, NM_001407312.1); short protein forms Q532fs, Q552fs, Q257fs.
Identifiers: ClinVar variation 3413448 (VCV003413448.1).